The following is an entry in ClinVar:

ClinVar aggregate classification (germline): Uncertain significance (1 of 4 stars; one submission).

Submission:

GeneDx
Classification: Uncertain significance. Last evaluated: 2023-12-13. Review status: criteria provided, single submitter. Criteria: GeneDx Variant Classification Process June 2021. Collection method: clinical testing. Allele origin: germline. Affected: yes.
Comment: Not observed at significant frequency in large population cohorts (gnomAD); In silico analysis supports that this missense variant does not alter protein structure/function; Has not been previously published as pathogenic or benign to our knowledge

NM_178857.6(RP1L1):c.6559G>C (p.Gly2187Arg)

Gene: RP1L1 (RP1 like 1). Cytogenetic location: 8p23.1.
Variant type: single nucleotide variant.
Coding change: c.6559G>C on transcript NM_178857.6 (MANE Select); coding-DNA position 6559, G replaced by C.
Protein change: p.Gly2187Arg; replaces glycine 2187 with arginine.
Molecular consequence: missense variant.
Genome position (GRCh38, 1-based): chr8:10,607,539, C>G on the plus strand (G>C on the coding strand, the complement: RP1L1 is on the minus strand). VCF-style: chr8-10607539-C-G. GRCh37 (hg19) VCF-style: chr8-10465049-C-G.
Other names: short protein forms G2187R.
Identifiers: ClinVar variation 3252373 (VCV003252373.1), dbSNP rs772318918.
Genomic context (GRCh38, chr8:10,607,539, plus strand): 5'-GTTGGGCCTCCCCTTCTGCCTCTGGGGCCTCTATACCTTCTGACTCTGGCTGGGCCTCCC[C>G]TTCTGCCTCTGGGGCCTCTACACCTTCTAACTCTGGTTGGGCCTCCTCTTCAGCCTCCTG-3'
Protein context (NP_849188.4, residues 2177-2197): LEGVEAPEAE[Gly2187Arg]EAQPESEGIE